The following is an entry in ClinVar:

ClinVar aggregate classification (germline): Uncertain significance (1 of 4 stars; one submission).

Conditions:
Werner syndrome (WRN). Identifiers: Orphanet 902, MedGen C0043119, MONDO:0010196, OMIM 277700.

Submission:

Labcorp Genetics (formerly Invitae), Labcorp
Classification: Uncertain significance for Werner syndrome. Last evaluated: 2022-05-26. Review status: criteria provided, single submitter. Criteria: Invitae Variant Classification Sherloc (09022015). Collection method: clinical testing. Allele origin: germline.
Comment: This sequence change replaces serine, which is neutral and polar, with glycine, which is neutral and non-polar, at codon 1279 of the WRN protein (p.Ser1279Gly). This variant is not present in population databases (gnomAD no frequency). This variant has not been reported in the literature in individuals affected with WRN-related conditions. Algorithms developed to predict the effect of missense changes on protein structure and function are either unavailable or do not agree on the potential impact of this missense change (SIFT: "Not Available"; PolyPhen-2: "Benign"; Align-GVGD: "Not Available"). In summary, the available evidence is currently insufficient to determine the role of this variant in disease. Therefore, it has been classified as a Variant of Uncertain Significance.

NM_000553.6(WRN):c.3835A>G (p.Ser1279Gly)

Gene: WRN (WRN RecQ like helicase; plus strand). Cytogenetic location: 8p12.
Variant type: single nucleotide variant.
Coding change: c.3835A>G on transcript NM_000553.6 (MANE Select); coding-DNA position 3835, A replaced by G.
Protein change: p.Ser1279Gly; replaces serine 1279 with glycine.
Molecular consequence: missense variant.
Genome position (GRCh38, 1-based): chr8:31,157,383, A>G. VCF-style: chr8-31157383-A-G. GRCh37 (hg19) VCF-style: chr8-31014899-A-G.
Other names: short protein forms S1279G.
Identifiers: ClinVar variation 2166469 (VCV002166469.1), dbSNP rs2536061434, ClinGen allele CA370929306.